The following is an entry in ClinVar:

NM_001122630.2(CDKN1C):c.454G>A (p.Ala152Thr)

Gene: CDKN1C (cyclin dependent kinase inhibitor 1C; minus strand). Cytogenetic location: 11p15.4.
Variant type: single nucleotide variant.
Coding change: c.454G>A on transcript NM_001122630.2 (MANE Select); coding-DNA position 454, G replaced by A.
Protein change: p.Ala152Thr; replaces alanine 152 with threonine.
Molecular consequence: missense variant. On other transcripts: intron variant (1).
Genome position (GRCh38, 1-based): chr11:2,885,003, C>T on the plus strand (G>A on the coding strand, the complement: CDKN1C is on the minus strand). VCF-style: chr11-2885003-C-T. GRCh37 (hg19) VCF-style: chr11-2906233-C-T.
Other names: c.487G>A, p.Ala163Thr (NM_000076.2, NM_001362474.2); c.454G>A, p.Ala152Thr (NM_001122631.2); c.255+199G>A (NM_001362475.2); short protein forms A152T, A163T.
Identifiers: ClinVar variation 1495897 (VCV001495897.8), dbSNP rs2133784469, ClinGen allele CA379146605.

ClinVar aggregate classification (germline): Uncertain significance (1 of 4 stars; one submission).

Conditions:
Beckwith-Wiedemann syndrome (BWS). Also called: EMG SYNDROME; Exomphalos macroglossia gigantism syndrome. Identifiers: Orphanet 116, MedGen C0004903, MONDO:0007534, OMIM 130650.

Submission:

Labcorp Genetics (formerly Invitae), Labcorp
Classification: Uncertain significance for Beckwith-Wiedemann syndrome. Last evaluated: 2023-09-08. Review status: criteria provided, single submitter. Criteria: Invitae Variant Classification Sherloc (09022015). Collection method: clinical testing. Allele origin: germline.
Comment: In summary, the available evidence is currently insufficient to determine the role of this variant in disease. Therefore, it has been classified as a Variant of Uncertain Significance. Advanced modeling of protein sequence and biophysical properties (such as structural, functional, and spatial information, amino acid conservation, physicochemical variation, residue mobility, and thermodynamic stability) performed at Invitae indicates that this missense variant is not expected to disrupt CDKN1C protein function. ClinVar contains an entry for this variant (Variation ID: 1495897). This variant has not been reported in the literature in individuals affected with CDKN1C-related conditions. The frequency data for this variant in the population databases is considered unreliable, as metrics indicate insufficient coverage at this position in the gnomAD database. This sequence change replaces alanine, which is neutral and non-polar, with threonine, which is neutral and polar, at codon 163 of the CDKN1C protein (p.Ala163Thr).